The following is an entry in ClinVar:

ClinVar aggregate classification (germline): Uncertain significance (1 of 4 stars; one submission).

Submission:

GeneDx
Classification: Uncertain significance. Last evaluated: 2024-09-23. Review status: criteria provided, single submitter. Criteria: GeneDx Variant Classification Process June 2021. Collection method: clinical testing. Allele origin: germline. Affected: yes.
Comment: Not observed at significant frequency in large population cohorts (gnomAD); In silico analysis supports that this missense variant has a deleterious effect on protein structure/function; Has not been previously published as pathogenic or benign to our knowledge

NM_002742.3(PRKD1):c.305T>C (p.Leu102Pro)

Gene: PRKD1 (protein kinase D1; minus strand). Cytogenetic location: 14q12.
Variant type: single nucleotide variant.
Coding change: c.305T>C on transcript NM_002742.3 (MANE Select); coding-DNA position 305, T replaced by C.
Protein change: p.Leu102Pro; replaces leucine 102 with proline.
Molecular consequence: missense variant.
Genome position (GRCh38, 1-based): chr14:29,725,634, A>G on the plus strand (T>C on the coding strand, the complement: PRKD1 is on the minus strand). VCF-style: chr14-29725634-A-G. GRCh37 (hg19) VCF-style: chr14-30194840-A-G.
Other names: c.305T>C, p.Leu102Pro (NM_001330069.2); c.17T>C, p.Leu6Pro (NM_001348390.1); short protein forms L102P, L6P.
Identifiers: ClinVar variation 1329778 (VCV001329778.3), dbSNP rs2139394697, ClinGen allele CA389477932.